The following is an entry in ClinVar:

NM_007294.4(BRCA1):c.3771_3772delinsC (p.Glu1257fs)

Genes: BRCA1 (BRCA1 DNA repair associated; minus strand), LOC126862571 (BRD4-independent group 4 enhancer GRCh37_chr17:41243136-41244335; plus strand). Cytogenetic location: 17q21.31.
Variant type: Indel.
Coding change: c.3771_3772delinsC on transcript NM_007294.4 (MANE Select); coding-DNA positions 3771 to 3772, GG replaced by C.
Protein change: p.Glu1257fs; shifts the reading frame from glutamic acid 1257.
Molecular consequence: frameshift variant. On other transcripts: intron variant (135).
Genome position (GRCh38, 1-based): chr17:43,091,759-43,091,760, CC replaced by G on the plus strand (GG replaced by C on the coding strand, the reverse complement: BRCA1 is on the minus strand). VCF-style: chr17-43091759-CC-G. GRCh37 (hg19) VCF-style: chr17-41243776-CC-G.
Other names: 3890delGGinsC; c.662-728_662-727delinsC (NM_001408435.1, NM_001408448.1, NM_001408445.1 and 6 more transcripts); c.785-728_785-727delinsC (NM_001408401.1, NM_001408396.1, NM_001407985.1 and 13 more transcripts); c.548-728_548-727delinsC (NM_001408494.1); c.665-728_665-727delinsC (NM_001408444.1, NM_001408438.1, NM_001408430.1 and 12 more transcripts); c.671-728_671-727delinsC (NM_001408423.1, NM_001408420.1, NM_001408419.1 and 2 more transcripts); c.788-728_788-727delinsC (NM_001408404.1, NM_001408472.1, NM_001407990.1 and 17 more transcripts); c.578-728_578-727delinsC (NM_001408492.1, NM_001408513.1, NM_001408489.1 and 9 more transcripts); and 42 more; short protein forms E1210fs, E1257fs, E1130fs, E1146fs, E1168fs, E1186fs, E1187fs, E389fs.
Identifiers: ClinVar variation 37547 (VCV000037547.16), dbSNP rs397507218, ClinGen allele CA002426.
Genomic context (GRCh38, chr17:43,091,759, plus strand): 5'-TTGCCAATATTACCTGGTTACTGCAGTCATTTAAGCTATTCTTCAATGATAATAAATTCT[CC>G]TCTGTGTTCTTAGACAGACACTCGGTAGCAACGGTGCTATGCCTAGTAGACTGAGAAGGT-3'

ClinVar aggregate classification (germline): Pathogenic. Review status: reviewed by expert panel (3 of 4 stars). 9 submissions from 9 submitters: Pathogenic (1). 8 of the submissions do not count toward it. Last evaluated 2016-09-08.

Conditions:
BRCA1-related cancer predisposition. Identifiers: MedGen CN377757, MONDO:0700268.
Hereditary cancer-predisposing syndrome. Also called: Tumor predisposition; Neoplastic Syndromes, Hereditary; Hereditary Cancer Syndrome; Hereditary neoplastic syndrome. Identifiers: Orphanet 140162, MedGen C0027672, MeSH D009386, MONDO:0015356.
Hereditary breast ovarian cancer syndrome. Also called: Hereditary breast and ovarian cancer syndrome (HBOC); Hereditary breast and ovarian cancer syndrome; Hereditary breast and ovarian cancer; Hereditary breast and/or ovarian cancer syndrome; Breast and ovarian cancer; BRCA1- and BRCA2-Associated Hereditary Breast and Ovarian Cancer. Identifiers: Orphanet 145, MedGen C0677776, MeSH D061325, MONDO:0003582. Disease mechanism: loss of function.
Breast-ovarian cancer, familial, susceptibility to, 1 (BROVCA1). Also called: OVARIAN CANCER, SUSCEPTIBILITY TO; BRCA1 Hereditary Breast and Ovarian Cancer. Identifiers: Orphanet 145, MedGen C2676676, MONDO:0011450, OMIM 604370. Disease mechanism: loss of function.

Submissions (9):

Evidence-based Network for the Interpretation of Germline Mutant Alleles (ENIGMA)
Classification: Pathogenic for Breast-ovarian cancer, familial, susceptibility to, 1. Last evaluated: 2016-09-08. Review status: reviewed by expert panel. Criteria: ENIGMA BRCA1/2 Classification Criteria (2015). Collection method: curation. Allele origin: germline.
Comment: Variant allele predicted to encode a truncated non-functional protein.

All of Us Research Program, National Institutes of Health
Classification: Pathogenic for BRCA1-related cancer predisposition. Last evaluated: 2024-09-26. Review status: criteria provided, single submitter. Criteria: ACMG Guidelines, 2015. Collection method: clinical testing. Allele origin: germline. Inheritance: Autosomal dominant inheritance. Observed: 1 variant allele, 1 heterozygote. Not counted in ClinVar's aggregate classification.
Comment: This variant deletes 3 nucleotides in exon 10 of the BRCA1 gene, creating a frameshift and premature translation stop signal. This variant is expected to result in an absent or non-functional protein product. This variant has been reported in at least three individuals affected with breast or ovarian cancer (PMID: 25428789, 26845104, 30322717). This variant has not been identified in the general population by the Genome Aggregation Database (gnomAD). Loss of BRCA1 function is a known mechanism of disease. Based on the available evidence, this variant is classified as Pathogenic.

This study involves interpretation of variants in research participants for the purpose of population health screening. Participant phenotype was not available at the time of variant classification. Additional details can be found in publication PMID: 35346344, PMCID: PMC8962531

Baylor Genetics
Classification: Pathogenic for Breast-ovarian cancer, familial, susceptibility to, 1. Last evaluated: 2023-08-11. Review status: criteria provided, single submitter. Criteria: ACMG Guidelines, 2015. Collection method: clinical testing. Allele origin: unknown. Not counted in ClinVar's aggregate classification.

Ambry Genetics
Classification: Pathogenic for Hereditary cancer-predisposing syndrome. Last evaluated: 2023-03-20. Review status: criteria provided, single submitter. Criteria: Ambry Variant Classification Scheme 2023. Collection method: clinical testing. Allele origin: germline. Not counted in ClinVar's aggregate classification.
Comment: The c.3771_3772delGGinsC pathogenic mutation, located in coding exon 9 of the BRCA1 gene, results from the deletion of two nucleotides and insertion of one nucleotide causing a translational frameshift with a predicted alternate stop codon (p.E1257Dfs*7). This mutation has been identified in individuals with breast cancer diagnosed prior to age 40 (Churpek JE et al. Breast Cancer Res. Treat. 2015 Jan;149:31-9; Shirts BH et al. Genet. Med. 2016 Feb). Of note, this alteration is also designated as 3890delGGinsC in published literature. This variant is considered to be rare based on population cohorts in the Genome Aggregation Database (gnomAD). In addition to the clinical data presented in the literature, this alteration is expected to result in loss of function by premature protein truncation or nonsense-mediated mRNA decay. As such, this alteration is interpreted as a disease-causing mutation.

Quest Diagnostics Nichols Institute San Juan Capistrano
Classification: Pathogenic. Last evaluated: 2022-08-29. Review status: criteria provided, single submitter. Criteria: Quest Diagnostics criteria. Collection method: clinical testing. Allele origin: unknown. Not counted in ClinVar's aggregate classification.
Comment: This frameshift variant alters the translational reading frame of the BRCA1 mRNA and causes the premature termination of BRCA1 protein synthesis. This variant has not been reported in large, multi-ethnic general populations. In the published literature, the variant has been reported in women affected with breast cancer (PMIDs: 25428789 (2015), 26845104 (2016)) and ovarian cancer (PMID: 30322717 (2018)). Based on the available information, this variant is classified as pathogenic.

GeneDx
Classification: Pathogenic. Last evaluated: 2020-01-27. Review status: criteria provided, single submitter. Criteria: GeneDx Variant Classification Process June 2021. Collection method: clinical testing. Allele origin: germline. Affected: yes. Not counted in ClinVar's aggregate classification.
Comment: Observed in individuals with a personal or family history consistent with pathogenic variants in this gene (Churpek 2015, Carter 2018); Frameshift variant predicted to result in protein truncation or nonsense mediated decay in a gene for which loss-of-function is a known mechanism of disease; Truncating variants in this gene are considered pathogenic by a well-established clinical consortium and/or database; Not observed in large population cohorts (Lek 2016); Also known as 3890delGGinsC; This variant is associated with the following publications: (PMID: 25428789, 30322717)

Women's Health and Genetics/Laboratory Corporation of America, LabCorp
Classification: Pathogenic for Hereditary breast and ovarian cancer syndrome. Last evaluated: 2019-07-26. Review status: criteria provided, single submitter. Criteria: LabCorp Variant Classification Summary - May 2015. Collection method: clinical testing. Allele origin: germline. Not counted in ClinVar's aggregate classification.
Comment: Variant summary: BRCA1 c.3771_3772delinsC (p.Glu1257AspfsX7) results in a premature termination codon, predicted to cause a truncation of the encoded protein or absence of the protein due to nonsense mediated decay, which are commonly known mechanisms for disease. Truncations downstream of this position have been classified as pathogenic by our laboratory. The variant was absent in 251226 control chromosomes. c.3771_3772delinsC has been reported in the literature in individuals affected with Hereditary Breast and Ovarian Cancer (Churpek_2015, Hirotsu_2015, Shirts_2016). These data indicate that the variant is associated with disease. To our knowledge, no experimental evidence demonstrating an impact on protein function has been reported. Four clinical diagnostic laboratories and one expert panel (ENIGMA) have submitted clinical-significance assessments for this variant to ClinVar after 2014 without evidence for independent evaluation. All submitters classified the variant as pathogenic. Based on the evidence outlined above, the variant was classified as pathogenic.

University of Washington Department of Laboratory Medicine, University of Washington
Classification: Pathogenic for Breast-ovarian cancer, familial, susceptibility to, 1. Last evaluated: 2015-11-20. Review status: criteria provided, single submitter. Criteria: Shirts et al. (Genet Med 2016). Collection method: clinical testing. Allele origin: germline. Affected: yes. Observed: 1 variant allele. Not counted in ClinVar's aggregate classification.

Sharing Clinical Reports Project (SCRP)
Classification: Pathogenic for Breast-ovarian cancer, familial 1. Last evaluated: 2010-01-19. Review status: no assertion criteria provided. Collection method: clinical testing. Allele origin: germline. Not counted in ClinVar's aggregate classification.

Literature cited by the submitters: PubMed 25428789 (cited by 4 submitters); PubMed 26845104 (cited by 4 submitters); PubMed 30322717 (cited by All of Us Research Program, National Institutes of Health and Quest Diagnostics Nichols Institute San Juan Capistrano); PubMed 26436112 (cited by Women's Health and Genetics/Laboratory Corporation of America, LabCorp).